The following is an entry in ClinVar:

NM_004168.4(SDHA):c.1551+3A>G

Gene: SDHA (succinate dehydrogenase complex flavoprotein subunit A; plus strand). Cytogenetic location: 5p15.33.
Variant type: single nucleotide variant.
Coding change: c.1551+3A>G on transcript NM_004168.4 (MANE Select); 3 bases into the intron after coding-DNA position 1551, A replaced by G.
Molecular consequence: intron variant.
Genome position (GRCh38, 1-based): chr5:240,479, A>G. VCF-style: chr5-240479-A-G. GRCh37 (hg19) VCF-style: chr5-240594-A-G.
Other names: c.1551+3A>G (NM_001330758.2); c.1407+3A>G (NM_001294332.2).
Identifiers: ClinVar variation 934099 (VCV000934099.10), dbSNP rs767596385, ClinGen allele CA3173273.

ClinVar aggregate classification (germline): Conflicting classifications of pathogenicity. Review status: criteria provided, conflicting classifications (1 of 4 stars). 2 submissions from 2 submitters: Uncertain significance (1); Likely benign (1). Last evaluated 2026-01-11.

Conditions:
Mitochondrial complex II deficiency, nuclear type 1. Also called: SUCCINATE CoQ REDUCTASE DEFICIENCY. Identifiers: Orphanet 3208, MedGen C5700310, MONDO:0100294, OMIM 252011.
Pheochromocytoma/paraganglioma syndrome 5. Also called: Paragangliomas 5; SDHA-Related Hereditary Paraganglioma-Pheochromocytoma Syndrome. Identifiers: Orphanet 29072, MedGen C3279992, MONDO:0013602, OMIM 614165.
Hereditary cancer-predisposing syndrome. Also called: Hereditary Cancer Syndrome; Neoplastic Syndromes, Hereditary; Tumor predisposition; Hereditary neoplastic syndrome. Identifiers: Orphanet 140162, MedGen C0027672, MeSH D009386, MONDO:0015356.

Allele frequency attached by ClinVar (database versions not stated): gnomAD exomes below 0.00001; ExAC 0.00001; TOPMed 0.00002.

Submissions (2):

Labcorp Genetics (formerly Invitae), Labcorp
Classification: Uncertain significance for Pheochromocytoma/paraganglioma syndrome 5; Mitochondrial complex II deficiency, nuclear type 1. Last evaluated: 2026-01-11. Review status: criteria provided, single submitter. Criteria: Invitae Variant Classification Sherloc (09022015). Collection method: clinical testing. Allele origin: germline.
Comment: This sequence change falls in intron 11 of the SDHA gene. It does not directly change the encoded amino acid sequence of the SDHA protein. It affects a nucleotide within the consensus splice site. This variant is present in population databases (rs767596385, gnomAD 0.007%). This variant has not been reported in the literature in individuals affected with SDHA-related conditions. ClinVar contains an entry for this variant (Variation ID: 934099). Variants that disrupt the consensus splice site are a relatively common cause of aberrant splicing (PMID: 17576681, 9536098). Algorithms developed to predict the effect of sequence changes on RNA splicing suggest that this variant is not likely to affect RNA splicing. In summary, the available evidence is currently insufficient to determine the role of this variant in disease. Therefore, it has been classified as a Variant of Uncertain Significance.

Ambry Genetics
Classification: Likely benign for Hereditary cancer-predisposing syndrome. Last evaluated: 2020-01-30. Review status: criteria provided, single submitter. Criteria: Ambry Variant Classification Scheme 2023. Collection method: clinical testing. Allele origin: germline.

Literature cited by the submitters: PubMed 17576681 (cited by Labcorp Genetics (formerly Invitae), Labcorp); PubMed 9536098 (cited by Labcorp Genetics (formerly Invitae), Labcorp).